The following is an entry in ClinVar:

ClinVar aggregate classification (germline): Pathogenic/Likely pathogenic. Review status: criteria provided, multiple submitters, no conflicts (2 of 4 stars). 2 submissions from 2 submitters: Pathogenic (1); Likely pathogenic (1). Last evaluated 2023-08-24.

Conditions:
Hereditary hemochromatosis (HFE). Identifiers: MedGen C0392514, MONDO:0006507. Disease mechanism: loss of function.
Hemochromatosis type 3 (HFE3). Also called: Hereditary hemochromatosis type 3; TFR2-Related Hemochromatosis; HEMOCHROMATOSIS DUE TO DEFECT IN TRANSFERRIN RECEPTOR 2. Identifiers: Orphanet 225123, MedGen C1858664, MONDO:0011417, OMIM 604250.

Submissions (2):

Baylor Genetics
Classification: Likely pathogenic for Hemochromatosis type 3. Last evaluated: 2023-08-24. Review status: criteria provided, single submitter. Criteria: ACMG Guidelines, 2015. Collection method: clinical testing. Allele origin: unknown.

Labcorp Genetics (formerly Invitae), Labcorp
Classification: Pathogenic for Hereditary hemochromatosis. Last evaluated: 2022-03-28. Review status: criteria provided, single submitter. Criteria: Invitae Variant Classification Sherloc (09022015). Collection method: clinical testing. Allele origin: germline.
Comment: For these reasons, this variant has been classified as Pathogenic. This variant has not been reported in the literature in individuals affected with TFR2-related conditions. This variant is not present in population databases (gnomAD no frequency). This sequence change creates a premature translational stop signal (p.Gln357Hisfs*84) in the TFR2 gene. It is expected to result in an absent or disrupted protein product. Loss-of-function variants in TFR2 are known to be pathogenic (PMID: 23600741, 26029709).

Literature cited by the submitters: PubMed 23600741 (cited by Labcorp Genetics (formerly Invitae), Labcorp); PubMed 26029709 (cited by Labcorp Genetics (formerly Invitae), Labcorp).

NM_003227.4(TFR2):c.1071_1075del (p.Gln357fs)

Gene: TFR2 (transferrin receptor 2; minus strand). Cytogenetic location: 7q22.1.
Variant type: Microsatellite.
Coding change: c.1071_1075del on transcript NM_003227.4 (MANE Select); coding-DNA positions 1071 to 1075, 5 bases deleted (GCCCA; older notation c.1071_1075delGCCCA).
Protein change: p.Gln357fs; shifts the reading frame from glutamine 357.
Molecular consequence: frameshift variant.
Genome position (GRCh38, 1-based): chr7:100,631,837-100,631,841, TGGGC deleted on the plus strand (GCCCA on the coding strand, the reverse complement: TFR2 is on the minus strand); deleting any 5 consecutive bases within chr7:100,631,837-100,631,850 gives the same sequence; the c. name uses the placement nearest the transcript's 3' end. VCF-style (leftmost placement, unchanged base first): chr7-100631836-ATGGGC-A. GRCh37 (hg19) VCF-style: chr7-100229459-ATGGGC-A.
Other names: c.558_562del, p.Gln186fs (NM_001206855.3); short protein forms Q186fs, Q357fs.
Identifiers: ClinVar variation 2418037 (VCV002418037.7), dbSNP rs2486128874, ClinGen allele CA2578963492.